The following is an entry in ClinVar:

ClinVar aggregate classification (germline): Benign. Review status: criteria provided, multiple submitters, no conflicts (2 of 4 stars). 13 submissions from 13 submitters: Benign (11). 2 of the submissions do not count toward it. Last evaluated 2026-02-02.

Conditions:
Familial thoracic aortic aneurysm and aortic dissection (TAAD). Also called: Thoracic aortic aneurysms and dissections. Identifiers: Orphanet 91387, MedGen C4707243, MONDO:0019625.
Aortic aneurysm, familial thoracic 7 (AAT7). Also called: AORTIC DISSECTION, FAMILIAL, WITH OR WITHOUT AORTIC ANEURYSM. Identifiers: MedGen C3151077, MONDO:0013418, OMIM 613780.

Allele frequency attached by ClinVar (database versions not stated): gnomAD exomes 0.01062; ExAC 0.01183; gnomAD 0.03379 and 0.03602; 1000 Genomes Project 0.03534; ESP Exome Variant Server 0.03621; 1000 Genomes Project 30x 0.03810; TOPMed 0.03957.
gnomAD v4.1: 12,197 of 1,613,896 alleles (0.76%); highest among the groups gnomAD compares: African/African-American, 11%; 538 homozygotes.

Submissions (13):

Labcorp Genetics (formerly Invitae), Labcorp
Classification: Benign for Aortic aneurysm, familial thoracic 7. Last evaluated: 2026-02-02. Review status: criteria provided, single submitter. Criteria: Invitae Variant Classification Sherloc (09022015). Collection method: clinical testing. Allele origin: germline.

Molecular Diagnostic Laboratory for Inherited Cardiovascular Disease, Montreal Heart Institute
Classification: Benign. Last evaluated: 2025-04-09. Review status: criteria provided, single submitter. Criteria: ACMG Guidelines, 2015. Collection method: clinical testing. Allele origin: germline. Affected: no.

CHEO Genetics Diagnostic Laboratory, Children's Hospital of Eastern Ontario
Classification: Benign for Familial thoracic aortic aneurysm and aortic dissection. Last evaluated: 2022-11-17. Review status: criteria provided, single submitter. Criteria: ACMG Guidelines, 2015. Collection method: clinical testing. Allele origin: germline.

Women's Health and Genetics/Laboratory Corporation of America, LabCorp
Classification: Benign. Last evaluated: 2019-08-16. Review status: criteria provided, single submitter. Criteria: LabCorp Variant Classification Summary - May 2015. Collection method: clinical testing. Allele origin: germline.

Illumina Laboratory Services, Illumina
Classification: Benign for Aortic aneurysm, familial thoracic 7. Last evaluated: 2018-01-13. Review status: criteria provided, single submitter. Criteria: ICSL Variant Classification Criteria 13 December 2019. Collection method: clinical testing. Allele origin: germline.
Comment: This variant was observed in the ICSL laboratory as part of a predisposition screen in an ostensibly healthy population. It had not been previously curated by ICSL or reported in the Human Gene Mutation Database (HGMD: prior to June 1st, 2018), and was therefore a candidate for classification through an automated scoring system. Utilizing variant allele frequency, disease prevalence and penetrance estimates, and inheritance mode, an automated score was calculated to assess if this variant is too frequent to cause the disease. Based on the score and internal cut-off values, a variant classified as benign is not then subjected to further curation. The score for this variant resulted in a classification of benign for this disease.

GeneDx
Classification: Benign. Last evaluated: 2016-10-03. Review status: criteria provided, single submitter. Criteria: GeneDx Variant Classification (06012015). Collection method: clinical testing. Allele origin: germline. Affected: yes.
Comment: This variant is considered likely benign or benign based on one or more of the following criteria: it is a conservative change, it occurs at a poorly conserved position in the protein, it is predicted to be benign by multiple in silico algorithms, and/or has population frequency not consistent with disease.

Ambry Genetics
Classification: Benign for Familial thoracic aortic aneurysm and aortic dissection. Last evaluated: 2015-02-03. Review status: criteria provided, single submitter. Criteria: Ambry Variant Classification Scheme 2023. Collection method: clinical testing. Allele origin: germline.

Mayo Clinic Laboratories, Mayo Clinic
Classification: Benign. Last evaluated: 2014-04-17. Review status: criteria provided, single submitter. Criteria: ACMG Guidelines, 2015. Collection method: clinical testing. Allele origin: germline. Observed: 27 variant alleles.

Laboratory for Molecular Medicine, Mass General Brigham Personalized Medicine
Classification: Benign. Last evaluated: 2013-04-04. Review status: criteria provided, single submitter. Criteria: LMM Criteria. Collection method: clinical testing. Allele origin: germline. Observed: 3 variant alleles.
Comment: Ser137Ser in exon 6 of MYLK: This variant is not expected to have clinical signi ficance because it does not alter an amino acid residue and is not located withi n the splice consensus sequence. It has been identified in 10.3% (452/4406) of A frican American chromosomes from a broad population by the NHLBI Exome Sequencin g Project (dbSNP rs55760507).

Breakthrough Genomics
Classification: Benign. Review status: criteria provided, single submitter. Criteria: ACMG Guidelines, 2015. Collection method: not provided. Allele origin: germline. Inheritance: Autosomal recessive inheritance. Affected: yes.

PreventionGenetics, part of Exact Sciences
Classification: Benign. Review status: criteria provided, single submitter. Criteria: ACMG Guidelines, 2015. Collection method: clinical testing. Allele origin: germline.

Clinical Genetics DNA and cytogenetics Diagnostics Lab, Erasmus MC, Erasmus Medical Center
Classification: Benign. Review status: no assertion criteria provided. Collection method: clinical testing. Allele origin: germline. Affected: yes. Study: VKGL Data-share Consensus. Not counted in ClinVar's aggregate classification.

Genome Diagnostics Laboratory, Amsterdam University Medical Center
Classification: Benign. Review status: no assertion criteria provided. Collection method: clinical testing. Allele origin: germline. Affected: yes. Study: VKGL Data-share Consensus. Not counted in ClinVar's aggregate classification.

NM_053025.4(MYLK):c.411C>G (p.Ser137=)

Gene: MYLK (myosin light chain kinase; minus strand). Cytogenetic location: 3q21.1.
Variant type: single nucleotide variant.
Coding change: c.411C>G on transcript NM_053025.4 (MANE Select); coding-DNA position 411, C replaced by G.
Protein change: p.Ser137=; no amino-acid change (serine 137 retained).
Molecular consequence: synonymous variant. On other transcripts: 5 prime UTR variant (1).
Genome position (GRCh38, 1-based): chr3:123,739,964, G>C on the plus strand (C>G on the coding strand, the complement: MYLK is on the minus strand). VCF-style: chr3-123739964-G-C. GRCh37 (hg19) VCF-style: chr3-123458811-G-C.
Other names: p.Ser137=; c.-118C>G (NM_001321309.2); c.411C>G, p.Ser137= (NM_053026.4, NM_053027.4, NM_053028.4).
Identifiers: ClinVar variation 226766 (VCV000226766.30), dbSNP rs55760507, ClinGen allele CA071461.
Genomic context (GRCh38, chr3:123,739,964, plus strand): 5'-GCAGGAAAGCAATCCAACCCTTACTCTGTCTTGAACATCCAGGACTTACCCTAAGGTTTT[G>C]GAAACAACAGGCTGACCAAGCTGCTTCGCAAAACTTCCTGCAAGAAAAAGAGTTGATGAG-3'
Protein context (NP_444253.3, residues 127-147): FAKQLGQPVV[Ser137=]KTLGDRFSAP